The following is an entry in ClinVar:

ClinVar aggregate classification (germline): Uncertain significance (1 of 4 stars; one submission).

Allele frequency attached by ClinVar (database versions not stated): gnomAD exomes below 0.00001.
gnomAD v4.1: 1 of 1,614,066 alleles (0.000062%); highest among the groups gnomAD compares: South Asian, 0.0011%; no homozygotes.

Submission:

Laboratory for Molecular Medicine, Mass General Brigham Personalized Medicine
Classification: Uncertain significance. Last evaluated: 2012-04-10. Review status: criteria provided, single submitter. Criteria: LMM Criteria. Collection method: clinical testing. Allele origin: germline. Observed: 1 variant allele.
Comment: The Ala634Gly variant in LAMA4 has not been reported in the literature nor previ ously identified by our laboratory. Computational analyses (biochemical amino ac id properties, conservation, AlignGVGD, PolyPhen2, and SIFT) suggest that this v ariant may not impact the protein, though this information is not predictive eno ugh to rule out pathogenicity. Additional information is needed to fully assess the clinical significance of the Ala634Gly variant.

NM_001105206.3(LAMA4):c.1922C>G (p.Ala641Gly)

Gene: LAMA4 (laminin subunit alpha 4; minus strand). Cytogenetic location: 6q21.
Variant type: single nucleotide variant.
Coding change: c.1922C>G on transcript NM_001105206.3 (MANE Select); coding-DNA position 1922, C replaced by G.
Protein change: p.Ala641Gly; replaces alanine 641 with glycine.
Molecular consequence: missense variant.
Genome position (GRCh38, 1-based): chr6:112,155,602, G>C on the plus strand (C>G on the coding strand, the complement: LAMA4 is on the minus strand). VCF-style: chr6-112155602-G-C. GRCh37 (hg19) VCF-style: chr6-112476804-G-C.
Other names: c.1901C>G, p.Ala634Gly (NM_001105207.3, NM_002290.5); short protein forms A634G, A641G.
Identifiers: ClinVar variation 44352 (VCV000044352.4), dbSNP rs397516718, ClinGen allele CA134012.